The following is an entry in ClinVar:

ClinVar aggregate classification (germline): Uncertain significance (1 of 4 stars; one submission).

Conditions:
Ehlers-Danlos syndrome, classic type, 1 (EDSCL1). Also called: Ehlers-Danlos Syndrome, Classic Type, COL5A1-Related; EDS I; Ehlers-Danlos syndrome, type 1; EHLERS-DANLOS SYNDROME, GRAVIS TYPE; EHLERS-DANLOS SYNDROME, SEVERE CLASSIC TYPE. Identifiers: MedGen C0268335, MONDO:0019567, OMIM 130000.

gnomAD v4.1: 1 of 1,610,174 alleles (0.000062%); no homozygotes.

Submission:

Labcorp Genetics (formerly Invitae), Labcorp
Classification: Uncertain significance for Ehlers-Danlos syndrome, classic type, 1. Last evaluated: 2022-07-18. Review status: criteria provided, single submitter. Criteria: Invitae Variant Classification Sherloc (09022015). Collection method: clinical testing. Allele origin: germline.
Comment: In summary, the available evidence is currently insufficient to determine the role of this variant in disease. Therefore, it has been classified as a Variant of Uncertain Significance. Advanced modeling of protein sequence and biophysical properties (such as structural, functional, and spatial information, amino acid conservation, physicochemical variation, residue mobility, and thermodynamic stability) performed at Invitae indicates that this missense variant is not expected to disrupt COL5A1 protein function. ClinVar contains an entry for this variant (Variation ID: 529260). This variant has not been reported in the literature in individuals affected with COL5A1-related conditions. This variant is not present in population databases (gnomAD no frequency). This sequence change replaces isoleucine, which is neutral and non-polar, with methionine, which is neutral and non-polar, at codon 1425 of the COL5A1 protein (p.Ile1425Met).

NM_000093.5(COL5A1):c.4275C>G (p.Ile1425Met)

Gene: COL5A1 (collagen type V alpha 1 chain; plus strand). Cytogenetic location: 9q34.3.
Variant type: single nucleotide variant.
Coding change: c.4275C>G on transcript NM_000093.5 (MANE Select); coding-DNA position 4275, C replaced by G.
Protein change: p.Ile1425Met; replaces isoleucine 1425 with methionine.
Molecular consequence: missense variant.
Genome position (GRCh38, 1-based): chr9:134,818,700, C>G. VCF-style: chr9-134818700-C-G. GRCh37 (hg19) VCF-style: chr9-137710546-C-G.
Other names: c.4275C>G, p.Ile1425Met (NM_001278074.1); short protein forms I1425M.
Identifiers: ClinVar variation 529260 (VCV000529260.10), dbSNP rs767372665, ClinGen allele CA375457216.